The following is an entry in ClinVar:

ClinVar aggregate classification (germline): Uncertain significance. Review status: criteria provided, multiple submitters, no conflicts (2 of 4 stars). 2 submissions from 2 submitters: Uncertain significance (2). Last evaluated 2022-11-01.

Conditions:
Pitt-Hopkins-like syndrome 2 (PTHSL2). Identifiers: Orphanet 221150, Orphanet 600663, MedGen C3280479, MONDO:0013690, OMIM 614325.

gnomAD v4.1: 1 of 1,613,770 alleles (0.000062%); highest among the groups gnomAD compares: Non-Finnish European, 0.000085%; no homozygotes.

Submissions (2):

Labcorp Genetics (formerly Invitae), Labcorp
Classification: Uncertain significance for Pitt-Hopkins-like syndrome 2. Last evaluated: 2022-11-01. Review status: criteria provided, single submitter. Criteria: Invitae Variant Classification Sherloc (09022015). Collection method: clinical testing. Allele origin: germline.
Comment: In summary, the available evidence is currently insufficient to determine the role of this variant in disease. Therefore, it has been classified as a Variant of Uncertain Significance. Algorithms developed to predict the effect of missense changes on protein structure and function are either unavailable or do not agree on the potential impact of this missense change (SIFT: "Deleterious"; PolyPhen-2: "Probably Damaging"; Align-GVGD: "Class C0"). ClinVar contains an entry for this variant (Variation ID: 1316261). This variant has not been reported in the literature in individuals affected with NRXN1-related conditions. This variant is not present in population databases (gnomAD no frequency). This sequence change replaces arginine, which is basic and polar, with cysteine, which is neutral and slightly polar, at codon 1311 of the NRXN1 protein (p.Arg1311Cys).

GeneDx
Classification: Uncertain significance. Last evaluated: 2019-08-22. Review status: criteria provided, single submitter. Criteria: GeneDx Variant Classification Process June 2021. Collection method: clinical testing. Allele origin: germline. Affected: yes.
Comment: Has not been previously published as pathogenic or benign to our knowledge; Not observed in large population cohorts (Lek et al., 2016); In silico analysis, which includes protein predictors and evolutionary conservation, supports a deleterious effect

NM_001330078.2(NRXN1):c.3811C>T (p.Arg1271Cys)

Gene: NRXN1 (neurexin 1; minus strand). Cytogenetic location: 2p16.3.
Variant type: single nucleotide variant.
Coding change: c.3811C>T on transcript NM_001330078.2 (MANE Select); coding-DNA position 3811, C replaced by T.
Protein change: p.Arg1271Cys; replaces arginine 1271 with cysteine.
Molecular consequence: missense variant.
Genome position (GRCh38, 1-based): chr2:50,053,588, G>A on the plus strand (C>T on the coding strand, the complement: NRXN1 is on the minus strand). VCF-style: chr2-50053588-G-A. GRCh37 (hg19) VCF-style: chr2-50280726-G-A.
Other names: c.3670C>T, p.Arg1224Cys (NM_001330095.2); c.3610C>T, p.Arg1204Cys (NM_001330096.2, NM_001330087.2); c.616C>T, p.Arg206Cys (NM_001330097.2, NM_138735.5); c.3721C>T, p.Arg1241Cys (NM_004801.6); c.3931C>T, p.Arg1311Cys (NM_001135659.3); c.3787C>T, p.Arg1263Cys (NM_001330077.2, NM_001330082.2); c.3655C>T, p.Arg1219Cys (NM_001330083.2); c.3745C>T, p.Arg1249Cys (NM_001330084.2); and 6 more; short protein forms R1204C, R1214C, R1219C, R1224C, R1241C, R1249C, R1262C, R1263C.
Identifiers: ClinVar variation 1316261 (VCV001316261.6), dbSNP rs2152627064, ClinGen allele CA346820005.